The following is an entry in ClinVar:

NM_001032283.3(TMPO):c.565+1828C>G

Gene: TMPO (thymopoietin; plus strand). Cytogenetic location: 12q23.1.
Variant type: single nucleotide variant.
Coding change: c.565+1828C>G on transcript NM_001032283.3 (MANE Select); 1828 bases into the intron after coding-DNA position 565, C replaced by G.
Molecular consequence: intron variant. On other transcripts: missense variant (1).
Genome position (GRCh38, 1-based): chr12:98,533,666, C>G. VCF-style: chr12-98533666-C-G. GRCh37 (hg19) VCF-style: chr12-98927444-C-G.
Other names: c.1409C>G, p.Thr470Ser (NM_003276.2); c.565+1828C>G (NM_001307975.2, NM_001032284.3); short protein forms T470S.
Identifiers: ClinVar variation 1771966 (VCV001771966.2), dbSNP rs2548504133, ClinGen allele CA386153125.
Genomic context (GRCh38, chr12:98,533,666, plus strand): 5'-ACATACCTGGATCCGAACTGATGTCTTCTTTTGCCAAAACTGTTGTCTCTCATTCACTCA[C>G]TACCTTAGGTCTAGAAGTGGCTAAGCAATCACAGCATGATAAAATAGATGCCTCAGAACT-3'

ClinVar aggregate classification (germline): Uncertain significance (1 of 4 stars; one submission).

Submission:

Ambry Genetics
Classification: Uncertain significance. Last evaluated: 2021-10-19. Review status: criteria provided, single submitter. Criteria: Ambry Variant Classification Scheme 2023. Collection method: clinical testing. Allele origin: germline.
Comment: The p.T470S variant (also known as c.1409C>G), located in coding exon 4 of the TMPO gene, results from a C to G substitution at nucleotide position 1409. The threonine at codon 470 is replaced by serine, an amino acid with similar properties. This amino acid position is conserved. In addition, this alteration is predicted to be tolerated by in silico analysis. Since supporting evidence is limited at this time, the clinical significance of this alteration remains unclear.